The following is an entry in ClinVar:

NM_145728.3(SYNM):c.117G>A (p.Leu39=)

Genes: SYNM (synemin; plus strand), SYNM-AS1 (SYNM antisense RNA 1; minus strand), LOC130058014 (ATAC-STARR-seq lymphoblastoid silent region 6864; plus strand). Cytogenetic location: 15q26.3.
Variant type: single nucleotide variant.
Coding change: c.117G>A on transcript NM_145728.3 (MANE Select); coding-DNA position 117, G replaced by A.
Protein change: p.Leu39=; no amino-acid change (leucine 39 retained).
Molecular consequence: synonymous variant.
Genome position (GRCh38, 1-based): chr15:99,105,316, G>A. VCF-style: chr15-99105316-G-A. GRCh37 (hg19) VCF-style: chr15-99645522-G-A.
Other names: c.117G>A, p.Leu39= (NM_015286.6).
Identifiers: ClinVar variation 3052041 (VCV003052041.3), dbSNP rs556235391, ClinGen allele CA7753260.

ClinVar aggregate classification (germline): Likely benign. Review status: criteria provided, single submitter (1 of 4 stars). 2 submissions from 2 submitters: Likely benign (1). 1 of the submissions does not count toward it. Last evaluated 2026-07-01.

Conditions:
SYNM-related disorder. Also called: SYNM-related condition.

Allele frequency attached by ClinVar (database versions not stated): 1000 Genomes Project 0.00020; TOPMed 0.00029; gnomAD 0.00033; 1000 Genomes Project 30x 0.00047; ExAC 0.00061.
gnomAD v4.1: 821 of 1,545,734 alleles (0.053%); highest among the groups gnomAD compares: Non-Finnish European, 0.067%; 1 homozygote.

Submissions (2):

CeGaT Center for Human Genetics Tuebingen
Classification: Likely benign. Last evaluated: 2026-07-01. Review status: criteria provided, single submitter. Criteria: CeGaT Center For Human Genetics Tuebingen Variant Classification Criteria Version 2. Collection method: clinical testing. Allele origin: germline. Affected: yes. Observed: 1 variant allele.
Comment: SYNM: BP4, BP7

PreventionGenetics, part of Exact Sciences
Classification: Likely benign for SYNM-related condition. Last evaluated: 2020-02-21. Review status: no assertion criteria provided. Collection method: clinical testing. Allele origin: germline. Not counted in ClinVar's aggregate classification.
Comment: This variant is classified as likely benign based on ACMG/AMP sequence variant interpretation guidelines (Richards et al. 2015 PMID: 25741868, with internal and published modifications).